The following is an entry in ClinVar:

ClinVar aggregate classification (germline): Benign. Review status: criteria provided, single submitter (1 of 4 stars). 2 submissions from 2 submitters: Benign (1). 1 of the submissions does not count toward it. Last evaluated 2026-01-06.

Conditions:
ZNF687-related disorder. Also called: ZNF687-related condition.

Allele frequency attached by ClinVar (database versions not stated): ExAC 0.00009; ESP Exome Variant Server 0.00023; gnomAD 0.00038; TOPMed 0.00039.
gnomAD v4.1: 109 of 1,613,972 alleles (0.0068%); highest among the groups gnomAD compares: African/African-American, 0.14%; no homozygotes.

Submissions (2):

Labcorp Genetics (formerly Invitae), Labcorp
Classification: Benign. Last evaluated: 2026-01-06. Review status: criteria provided, single submitter. Criteria: Invitae Variant Classification Sherloc (09022015). Collection method: clinical testing. Allele origin: germline.

PreventionGenetics, part of Exact Sciences
Classification: Likely benign for ZNF687-related condition. Last evaluated: 2019-06-06. Review status: no assertion criteria provided. Collection method: clinical testing. Allele origin: germline. Not counted in ClinVar's aggregate classification.
Comment: This variant is classified as likely benign based on ACMG/AMP sequence variant interpretation guidelines (Richards et al. 2015 PMID: 25741868, with internal and published modifications).

NM_020832.3(ZNF687):c.1518C>T (p.Asn506=)

Gene: ZNF687 (zinc finger protein 687; plus strand). Cytogenetic location: 1q21.3.
Variant type: single nucleotide variant.
Coding change: c.1518C>T on transcript NM_020832.3 (MANE Select); coding-DNA position 1518, C replaced by T.
Protein change: p.Asn506=; no amino-acid change (asparagine 506 retained).
Molecular consequence: synonymous variant.
Genome position (GRCh38, 1-based): chr1:151,287,809, C>T. VCF-style: chr1-151287809-C-T. GRCh37 (hg19) VCF-style: chr1-151260285-C-T.
Other names: c.1518C>T, p.Asn506= (NM_001304763.2, NM_001304764.2); c.1518C>T (NM_020832.2).
Identifiers: ClinVar variation 2045492 (VCV002045492.6), dbSNP rs143173486, ClinGen allele CA1088351.
Genomic context (GRCh38, chr1:151,287,809, plus strand): 5'-CGGCACAGTGATATCACGGACCCAGTCCAGCCTGGTGGAGGCCTTCAACAAGATCCTCAA[C>T]AGCAAGAACCTGCTCCCTGCCTATAGGCCAAACCTGAGCCCACCAGCTGAGGCTGGGCTG-3'
Protein context (NP_065883.1, residues 496-516): SLVEAFNKIL[Asn506=]SKNLLPAYRP